The following is an entry in ClinVar:

ClinVar aggregate classification (germline): Uncertain significance. Review status: criteria provided, multiple submitters, no conflicts (2 of 4 stars). 4 submissions from 4 submitters: Uncertain significance (4). Last evaluated 2026-01-18.

Conditions:
Familial thoracic aortic aneurysm and aortic dissection (TAAD). Also called: Thoracic aortic aneurysms and dissections. Identifiers: Orphanet 91387, MedGen C4707243, MONDO:0019625.
Marfan syndrome (MFS). Also called: Marfan syndrome, classic; Marfan syndrome type 1; Marfan's syndrome; FBN1-Related Marfan Syndrome; MARFAN SYNDROME, TYPE I. Identifiers: Orphanet 284963, Orphanet 558, MedGen C0024796, MONDO:0007947, OMIM 154700.

Allele frequency attached by ClinVar (database versions not stated): gnomAD 0.00001; 1000 Genomes Project 30x 0.00016; 1000 Genomes Project 0.00020.
gnomAD v4.1: 3 of 1,610,736 alleles (0.00019%); highest among the groups gnomAD compares: Admixed American, 0.0033%; no homozygotes.

Submissions (4):

Labcorp Genetics (formerly Invitae), Labcorp
Classification: Uncertain significance for Marfan syndrome; Familial thoracic aortic aneurysm and aortic dissection. Last evaluated: 2026-01-18. Review status: criteria provided, single submitter. Criteria: Invitae Variant Classification Sherloc (09022015). Collection method: clinical testing. Allele origin: germline.
Comment: This sequence change replaces histidine, which is basic and polar, with tyrosine, which is neutral and polar, at codon 2410 of the FBN1 protein (p.His2410Tyr). This variant is present in population databases (rs548057493, gnomAD 0.003%). This variant has not been reported in the literature in individuals affected with FBN1-related conditions. ClinVar contains an entry for this variant (Variation ID: 921500). Invitae Evidence Modeling of protein sequence and biophysical properties (such as structural, functional, and spatial information, amino acid conservation, physicochemical variation, residue mobility, and thermodynamic stability) has been performed for this missense variant. However, the output from this modeling did not meet the statistical confidence thresholds required to predict the impact of this variant on FBN1 protein function. In summary, the available evidence is currently insufficient to determine the role of this variant in disease. Therefore, it has been classified as a Variant of Uncertain Significance.

All of Us Research Program, National Institutes of Health
Classification: Uncertain significance for Marfan syndrome. Last evaluated: 2024-08-06. Review status: criteria provided, single submitter. Criteria: ACMG Guidelines, 2015. Collection method: clinical testing. Allele origin: germline. Inheritance: Autosomal dominant inheritance. Observed: 2 variant alleles, 2 heterozygotes.
Comment: This missense variant replaces histidine with tyrosine at codon 2410 of the FBN1 protein. Computational prediction tools and conservation analyses are inconclusive regarding the impact of this variant on the protein function. Computational splicing tools suggest that this variant may not impact RNA splicing. To our knowledge, functional assays have not been performed for this variant nor has this variant been reported in individuals affected with cardiovascular disorders in the literature. This variant has been identified in 1/251140 chromosomes in the general population by the Genome Aggregation Database (gnomAD). Available evidence is insufficient to determine the role of this variant in disease conclusively. Therefore, this variant is classified as a Variant of Uncertain Significance.

This study involves interpretation of variants in research participants for the purpose of population health screening. Participant phenotype was not available at the time of variant classification. Additional details can be found in publication PMID: 35346344, PMCID: PMC8962531

Ambry Genetics
Classification: Uncertain significance for Familial thoracic aortic aneurysm and aortic dissection. Last evaluated: 2024-04-23. Review status: criteria provided, single submitter. Criteria: Ambry Variant Classification Scheme 2023. Collection method: clinical testing. Allele origin: germline.
Comment: The p.H2410Y variant (also known as c.7228C>T), located in coding exon 58 of the FBN1 gene, results from a C to T substitution at nucleotide position 7228. The histidine at codon 2410 is replaced by tyrosine, an amino acid with similar properties. This amino acid position is not well conserved in available vertebrate species. In addition, the in silico prediction for this alteration is inconclusive. Based on the available evidence, the clinical significance of this variant remains unclear.

Color Diagnostics, LLC DBA Color Health
Classification: Uncertain significance for Familial thoracic aortic aneurysm and aortic dissection. Last evaluated: 2023-12-05. Review status: criteria provided, single submitter. Criteria: ACMG Guidelines, 2015. Collection method: clinical testing. Allele origin: germline.
Comment: This missense variant replaces histidine with tyrosine at codon 2410 of the FBN1 protein. Computational prediction tools and conservation analyses are inconclusive regarding the impact of this variant on the protein function. Computational splicing tools suggest that this variant may not impact RNA splicing. To our knowledge, functional assays have not been performed for this variant nor has this variant been reported in individuals affected with cardiovascular disorders in the literature. This variant has been identified in 1/251140 chromosomes in the general population by the Genome Aggregation Database (gnomAD). Available evidence is insufficient to determine the role of this variant in disease conclusively. Therefore, this variant is classified as a Variant of Uncertain Significance.

NM_000138.5(FBN1):c.7228C>T (p.His2410Tyr)

Gene: FBN1 (fibrillin 1; minus strand). Cytogenetic location: 15q21.1.
Variant type: single nucleotide variant.
Coding change: c.7228C>T on transcript NM_000138.5 (MANE Select); coding-DNA position 7228, C replaced by T.
Protein change: p.His2410Tyr; replaces histidine 2410 with tyrosine.
Molecular consequence: missense variant.
Genome position (GRCh38, 1-based): chr15:48,425,841, G>A on the plus strand (C>T on the coding strand, the complement: FBN1 is on the minus strand). VCF-style: chr15-48425841-G-A. GRCh37 (hg19) VCF-style: chr15-48718038-G-A.
Other names: short protein forms H2410Y.
Identifiers: ClinVar variation 921500 (VCV000921500.11), dbSNP rs548057493, ClinGen allele CA058126.